The following is an entry in ClinVar:

ClinVar aggregate classification (germline): Likely benign. Review status: criteria provided, multiple submitters, no conflicts (2 of 4 stars). 6 submissions from 6 submitters: Likely benign (5). 1 of the submissions does not count toward it. Last evaluated 2026-03-01.

Conditions:
ERCC6L2-related disorder. Also called: ERCC6L2-related condition.
Inborn genetic diseases. Identifiers: MedGen C0950123, MeSH D030342.

Allele frequency attached by ClinVar (database versions not stated): gnomAD 0.00001; gnomAD exomes 0.00003; TOPMed 0.00003.
gnomAD v4.1: 44 of 1,610,778 alleles (0.0027%); highest among the groups gnomAD compares: Middle Eastern, 0.33%; no homozygotes.

Submissions (6):

CeGaT Center for Human Genetics Tuebingen
Classification: Likely benign. Last evaluated: 2026-03-01. Review status: criteria provided, single submitter. Criteria: CeGaT Center For Human Genetics Tuebingen Variant Classification Criteria Version 2. Collection method: clinical testing. Allele origin: germline. Affected: yes. Observed: 2 variant alleles.
Comment: ERCC6L2: BP4, BP7

Labcorp Genetics (formerly Invitae), Labcorp
Classification: Likely benign. Last evaluated: 2025-09-06. Review status: criteria provided, single submitter. Criteria: Invitae Variant Classification Sherloc (09022015). Collection method: clinical testing. Allele origin: germline.

Ambry Genetics
Classification: Likely benign for Inborn genetic diseases. Last evaluated: 2024-11-22. Review status: criteria provided, single submitter. Criteria: Ambry Variant Classification Scheme 2023. Collection method: clinical testing. Allele origin: germline.

Blueprint Genetics
Classification: Likely benign. Last evaluated: 2024-09-25. Review status: criteria provided, single submitter. Criteria: ACMG Guidelines, 2015. Collection method: clinical testing. Allele origin: germline.

Breakthrough Genomics
Classification: Likely benign. Review status: criteria provided, single submitter. Criteria: ACMG Guidelines, 2015. Collection method: not provided. Allele origin: germline. Inheritance: Autosomal recessive inheritance. Affected: yes.

PreventionGenetics, part of Exact Sciences
Classification: Likely benign for ERCC6L2-related condition. Last evaluated: 2022-11-14. Review status: no assertion criteria provided. Collection method: clinical testing. Allele origin: germline. Not counted in ClinVar's aggregate classification.
Comment: This variant is classified as likely benign based on ACMG/AMP sequence variant interpretation guidelines (Richards et al. 2015 PMID: 25741868, with internal and published modifications).

NM_020207.7(ERCC6L2):c.1293T>C (p.Cys431=)

Gene: ERCC6L2 (ERCC excision repair 6 like 2; plus strand). Cytogenetic location: 9q22.32.
Variant type: single nucleotide variant.
Coding change: c.1293T>C on transcript NM_020207.7 (MANE Select); coding-DNA position 1293, T replaced by C.
Protein change: p.Cys431=; no amino-acid change (cysteine 431 retained).
Molecular consequence: synonymous variant. On other transcripts: non-coding transcript variant (1).
Genome position (GRCh38, 1-based): chr9:95,921,309, T>C. VCF-style: chr9-95921309-T-C. GRCh37 (hg19) VCF-style: chr9-98683591-T-C.
Other names: c.1293T>C, p.Cys431= (NM_001010895.4, NM_001375291.1, NM_001375292.1 and 2 more transcripts); c.1326T>C (NM_020207.4).
Identifiers: ClinVar variation 1109513 (VCV001109513.36), dbSNP rs866414421, ClinGen allele CA196574701.